The following is an entry in ClinVar:

NM_198578.4(LRRK2):c.6909G>T (p.Leu2303Phe)

Gene: LRRK2 (leucine rich repeat kinase 2; plus strand). Cytogenetic location: 12q12.
Variant type: single nucleotide variant.
Coding change: c.6909G>T on transcript NM_198578.4 (MANE Select); coding-DNA position 6909, G replaced by T.
Protein change: p.Leu2303Phe; replaces leucine 2303 with phenylalanine.
Molecular consequence: missense variant.
Genome position (GRCh38, 1-based): chr12:40,359,325, G>T. VCF-style: chr12-40359325-G-T. GRCh37 (hg19) VCF-style: chr12-40753127-G-T.
Other names: short protein forms L2303F.
Identifiers: ClinVar variation 1756092 (VCV001756092.2), dbSNP rs1439323087, ClinGen allele CA384411617.
Genomic context (GRCh38, chr12:40,359,325, plus strand): 5'-AGGAGCTGCTCCTTTGAAGATACTAAATATAGGAAATGTCAGTACTCCATTGATGTGTTT[G>T]AGTGAATCCACAAATTCAACGGAAAGAAATGTAATGTGGGGAGGATGTGGCACAAAGATT-3'
Protein context (NP_940980.4, residues 2293-2313): IGNVSTPLMC[Leu2303Phe]SESTNSTERN

ClinVar aggregate classification (germline): Uncertain significance (1 of 4 stars; one submission).

Conditions:
Inborn genetic diseases. Identifiers: MedGen C0950123, MeSH D030342.

Allele frequency attached by ClinVar (database versions not stated): gnomAD 0.00001; TOPMed 0.00005.
gnomAD v4.1: 10 of 1,612,702 alleles (0.00062%); highest among the groups gnomAD compares: Admixed American, 0.015%; no homozygotes.

Submission:

Ambry Genetics
Classification: Uncertain significance for Inborn genetic diseases. Last evaluated: 2024-01-29. Review status: criteria provided, single submitter. Criteria: Ambry Variant Classification Scheme 2023. Collection method: clinical testing. Allele origin: germline.
Comment: The p.L2303F variant (also known as c.6909G>T), located in coding exon 47 of the LRRK2 gene, results from a G to T substitution at nucleotide position 6909. The leucine at codon 2303 is replaced by phenylalanine, an amino acid with highly similar properties. This amino acid position is conserved. In addition, this alteration is predicted to be tolerated by in silico analysis. Since supporting evidence is limited at this time, the clinical significance of this alteration remains unclear.